The following is an entry in ClinVar:

NM_015662.3(IFT172):c.3131G>A (p.Arg1044Gln)

Gene: IFT172 (intraflagellar transport 172; minus strand). Cytogenetic location: 2p23.3.
Variant type: single nucleotide variant.
Coding change: c.3131G>A on transcript NM_015662.3 (MANE Select); coding-DNA position 3131, G replaced by A.
Protein change: p.Arg1044Gln; replaces arginine 1044 with glutamine.
Molecular consequence: missense variant.
Genome position (GRCh38, 1-based): chr2:27,457,736, C>T on the plus strand (G>A on the coding strand, the complement: IFT172 is on the minus strand). VCF-style: chr2-27457736-C-T. GRCh37 (hg19) VCF-style: chr2-27680603-C-T.
Other names: short protein forms R1044Q.
Identifiers: ClinVar variation 961386 (VCV000961386.11), dbSNP rs755990223, ClinGen allele CA1580071.

ClinVar aggregate classification (germline): Uncertain significance. Review status: criteria provided, multiple submitters, no conflicts (2 of 4 stars). 3 submissions from 3 submitters: Uncertain significance (2). 1 of the submissions does not count toward it. Last evaluated 2024-10-11.

Conditions:
IFT172-related disorder. Also called: IFT172-related disorders; IFT172-related condition.
Retinitis pigmentosa 71 (RP71). Identifiers: Orphanet 791, MedGen C4225342, MONDO:0014618, OMIM 616394.
Short-rib thoracic dysplasia 10 with or without polydactyly (SRTD10). Identifiers: Orphanet 474, MedGen C3810175, MONDO:0014284, OMIM 615630.

Allele frequency attached by ClinVar (database versions not stated): ExAC 0.00001; gnomAD 0.00001; gnomAD exomes 0.00002; TOPMed 0.00002.
gnomAD v4.1: 28 of 1,613,976 alleles (0.0017%); highest among the groups gnomAD compares: South Asian, 0.012%; no homozygotes.

Submissions (3):

Blueprint Genetics
Classification: Uncertain significance. Last evaluated: 2024-10-11. Review status: criteria provided, single submitter. Criteria: ACMG Guidelines, 2015. Collection method: clinical testing. Allele origin: germline.

Labcorp Genetics (formerly Invitae), Labcorp
Classification: Uncertain significance for Retinitis pigmentosa 71; Short-rib thoracic dysplasia 10 with or without polydactyly. Last evaluated: 2022-07-26. Review status: criteria provided, single submitter. Criteria: Invitae Variant Classification Sherloc (09022015). Collection method: clinical testing. Allele origin: germline.
Comment: In summary, the available evidence is currently insufficient to determine the role of this variant in disease. Therefore, it has been classified as a Variant of Uncertain Significance. Algorithms developed to predict the effect of missense changes on protein structure and function (SIFT, PolyPhen-2, Align-GVGD) all suggest that this variant is likely to be tolerated. ClinVar contains an entry for this variant (Variation ID: 961386). This variant has not been reported in the literature in individuals affected with IFT172-related conditions. This variant is present in population databases (rs755990223, gnomAD 0.01%). This sequence change replaces arginine, which is basic and polar, with glutamine, which is neutral and polar, at codon 1044 of the IFT172 protein (p.Arg1044Gln).

PreventionGenetics, part of Exact Sciences
Classification: Uncertain significance for IFT172-related condition. Last evaluated: 2024-09-24. Review status: no assertion criteria provided. Collection method: clinical testing. Allele origin: germline. Not counted in ClinVar's aggregate classification.
Comment: The IFT172 c.3131G>A variant is predicted to result in the amino acid substitution p.Arg1044Gln. To our knowledge, this variant has not been reported in the literature. This variant is reported in 0.0098% of alleles in individuals of South Asian descent in gnomAD. At this time, the clinical significance of this variant is uncertain due to the absence of conclusive functional and genetic evidence.